The following is an entry in ClinVar:

ClinVar aggregate classification (germline): Uncertain significance. Review status: criteria provided, multiple submitters, no conflicts (2 of 4 stars). 2 submissions from 2 submitters: Uncertain significance (2). Last evaluated 2026-01-12.

Conditions:
Inborn genetic diseases. Identifiers: MedGen C0950123, MeSH D030342.
Joubert syndrome. Also called: CEREBELLOPARENCHYMAL DISORDER IV; JOUBERT-BOLTSHAUSER SYNDROME; Familial aplasia of the vermis. Identifiers: Orphanet 475, MedGen C5979921, MONDO:0018772.
Meckel-Gruber syndrome. Also called: DYSENCEPHALIA SPLANCHNOCYSTICA; GRUBER SYNDROME; Dysencephalia splachnocystica. Identifiers: Orphanet 564, MedGen C0265215, MONDO:0018921.

Allele frequency attached by ClinVar (database versions not stated): gnomAD 0.00001; TOPMed 0.00001.
gnomAD v4.1: 8 of 1,613,516 alleles (0.0005%); no homozygotes.

Submissions (2):

Labcorp Genetics (formerly Invitae), Labcorp
Classification: Uncertain significance for Joubert syndrome; Meckel-Gruber syndrome. Last evaluated: 2026-01-12. Review status: criteria provided, single submitter. Criteria: Invitae Variant Classification Sherloc (09022015). Collection method: clinical testing. Allele origin: germline.
Comment: This sequence change replaces histidine, which is basic and polar, with tyrosine, which is neutral and polar, at codon 563 of the TCTN2 protein (p.His563Tyr). This variant is present in population databases (no rsID available, gnomAD 0.02%). This variant has not been reported in the literature in individuals affected with TCTN2-related conditions. ClinVar contains an entry for this variant (Variation ID: 2050800). Invitae Evidence Modeling of protein sequence and biophysical properties (such as structural, functional, and spatial information, amino acid conservation, physicochemical variation, residue mobility, and thermodynamic stability) indicates that this missense variant is not expected to disrupt TCTN2 protein function with a negative predictive value of 80%. In summary, the available evidence is currently insufficient to determine the role of this variant in disease. Therefore, it has been classified as a Variant of Uncertain Significance.

Ambry Genetics
Classification: Uncertain significance for Inborn genetic diseases. Last evaluated: 2022-09-22. Review status: criteria provided, single submitter. Criteria: Ambry Variant Classification Scheme 2023. Collection method: clinical testing. Allele origin: germline.

NM_024809.5(TCTN2):c.1687C>T (p.His563Tyr)

Gene: TCTN2 (tectonic family member 2; plus strand). Cytogenetic location: 12q24.31.
Variant type: single nucleotide variant.
Coding change: c.1687C>T on transcript NM_024809.5 (MANE Select); coding-DNA position 1687, C replaced by T.
Protein change: p.His563Tyr; replaces histidine 563 with tyrosine.
Molecular consequence: missense variant.
Genome position (GRCh38, 1-based): chr12:123,704,606, C>T. VCF-style: chr12-123704606-C-T. GRCh37 (hg19) VCF-style: chr12-124189153-C-T.
Other names: c.1684C>T, p.His562Tyr (NM_001143850.3); c.1552C>T, p.His518Tyr (NM_001410989.1); short protein forms H563Y, H518Y, H562Y.
Identifiers: ClinVar variation 2050800 (VCV002050800.5), dbSNP rs965551735, ClinGen allele CA245170272.